The following is an entry in ClinVar:

NM_000203.5(IDUA):c.916T>G (p.Trp306Gly)

Gene: IDUA (alpha-L-iduronidase; plus strand). Cytogenetic location: 4p16.3.
Variant type: single nucleotide variant.
Coding change: c.916T>G on transcript NM_000203.5 (MANE Select); coding-DNA position 916, T replaced by G.
Protein change: p.Trp306Gly; replaces tryptophan 306 with glycine.
Molecular consequence: missense variant. On other transcripts: non-coding transcript variant (1).
Genome position (GRCh38, 1-based): chr4:1,002,105, T>G. VCF-style: chr4-1002105-T-G. GRCh37 (hg19) VCF-style: chr4-995893-T-G.
Other names: c.520T>G, p.Trp174Gly (NM_001363576.1); short protein forms W174G, W306G.
Identifiers: ClinVar variation 1985842 (VCV001985842.5), dbSNP rs1285575274, ClinGen allele CA355962590.

ClinVar aggregate classification (germline): Uncertain significance. Review status: criteria provided, multiple submitters, no conflicts (2 of 4 stars). 2 submissions from 2 submitters: Uncertain significance (2). Last evaluated 2024-01-11.

Conditions:
Mucopolysaccharidosis type 1. Also called: IDUA deficiency; MPS I; Mucopolysaccharidosis Type I. Identifiers: Orphanet 579, MedGen C0023786, MONDO:0001586.

gnomAD v4.1: 1 of 1,573,096 alleles (0.000064%); highest among the groups gnomAD compares: Admixed American, 0.0019%; no homozygotes.

Submissions (2):

Revvity Omics, Revvity
Classification: Uncertain significance. Last evaluated: 2024-01-11. Review status: criteria provided, single submitter. Criteria: ACMG Guidelines, 2015. Collection method: clinical testing. Allele origin: germline.

Labcorp Genetics (formerly Invitae), Labcorp
Classification: Uncertain significance for Mucopolysaccharidosis type 1. Last evaluated: 2023-10-02. Review status: criteria provided, single submitter. Criteria: Invitae Variant Classification Sherloc (09022015). Collection method: clinical testing. Allele origin: germline.
Comment: In summary, the available evidence is currently insufficient to determine the role of this variant in disease. Therefore, it has been classified as a Variant of Uncertain Significance. Advanced modeling of protein sequence and biophysical properties (such as structural, functional, and spatial information, amino acid conservation, physicochemical variation, residue mobility, and thermodynamic stability) performed at Invitae indicates that this missense variant is expected to disrupt IDUA protein function. ClinVar contains an entry for this variant (Variation ID: 1985842). This variant has not been reported in the literature in individuals affected with IDUA-related conditions. This variant is present in population databases (no rsID available, gnomAD 0.004%). This sequence change replaces tryptophan, which is neutral and slightly polar, with glycine, which is neutral and non-polar, at codon 306 of the IDUA protein (p.Trp306Gly).